The following is an entry in ClinVar:

ClinVar aggregate classification (germline): Uncertain significance (1 of 4 stars; one submission).

Conditions:
Facioscapulohumeral muscular dystrophy 2 (FSHD2). Also called: MUSCULAR DYSTROPHY, FACIOSCAPULOHUMERAL, TYPE 1B; FACIOSCAPULOHUMERAL MUSCULAR DYSTROPHY 2, DIGENIC; FSHD2, DIGENIC. Identifiers: Orphanet 269, MedGen C1834671, MONDO:0008031, OMIM 158901.

Submission:

Labcorp Genetics (formerly Invitae), Labcorp
Classification: Uncertain significance for Facioscapulohumeral muscular dystrophy 2. Last evaluated: 2020-03-09. Review status: criteria provided, single submitter. Criteria: Invitae Variant Classification Sherloc (09022015). Collection method: clinical testing. Allele origin: germline.
Comment: This sequence change replaces serine with asparagine at codon 522 of the SMCHD1 protein (p.Ser522Asn). The serine residue is highly conserved and there is a small physicochemical difference between serine and asparagine. This variant is not present in population databases (ExAC no frequency). This variant has not been reported in the literature in individuals with SMCHD1-related conditions. Algorithms developed to predict the effect of missense changes on protein structure and function (SIFT, PolyPhen-2, Align-GVGD) all suggest that this variant is likely to be disruptive, but these predictions have not been confirmed by published functional studies and their clinical significance is uncertain. In summary, the available evidence is currently insufficient to determine the role of this variant in disease. Therefore, it has been classified as a Variant of Uncertain Significance.

NM_015295.3(SMCHD1):c.1565G>A (p.Ser522Asn)

Gene: SMCHD1 (structural maintenance of chromosomes flexible hinge domain containing 1; plus strand). Cytogenetic location: 18p11.32.
Variant type: single nucleotide variant.
Coding change: c.1565G>A on transcript NM_015295.3 (MANE Select); coding-DNA position 1565, G replaced by A.
Protein change: p.Ser522Asn; replaces serine 522 with asparagine.
Molecular consequence: missense variant.
Genome position (GRCh38, 1-based): chr18:2,700,836, G>A. VCF-style: chr18-2700836-G-A. GRCh37 (hg19) VCF-style: chr18-2700834-G-A.
Other names: short protein forms S522N.
Identifiers: ClinVar variation 1044139 (VCV001044139.8), dbSNP rs2074384298, ClinGen allele CA401699983.